The following is an entry in ClinVar:

ClinVar aggregate classification (germline): Uncertain significance (1 of 4 stars; one submission).

Conditions:
Gnathodiaphyseal dysplasia (GDD). Also called: GNATHODIAPHYSEAL SCLEROSIS; OSTEOGENESIS IMPERFECTA WITH UNUSUAL SKELETAL LESIONS. Identifiers: Orphanet 53697, MedGen C1833736, MONDO:0008151, OMIM 166260.
Autosomal recessive limb-girdle muscular dystrophy type 2L (LGMDR12). Also called: Limb-girdle muscular dystrophy, type 2L; MUSCULAR DYSTROPHY, LIMB-GIRDLE, AUTOSOMAL RECESSIVE 12; Limb-Girdle Muscular Dystrophy R12 Anoctamin-5-Related (LGMD-R12). Identifiers: Orphanet 206549, MedGen C1969785, MONDO:0012652, OMIM 611307.

gnomAD v4.1: 6 of 1,606,988 alleles (0.00037%); highest among the groups gnomAD compares: South Asian, 0.0066%; no homozygotes.

Submission:

Labcorp Genetics (formerly Invitae), Labcorp
Classification: Uncertain significance for Autosomal recessive limb-girdle muscular dystrophy type 2L; Gnathodiaphyseal dysplasia. Last evaluated: 2025-10-16. Review status: criteria provided, single submitter. Criteria: Invitae Variant Classification Sherloc (09022015). Collection method: clinical testing. Allele origin: germline.
Comment: This sequence change replaces glutamic acid, which is acidic and polar, with valine, which is neutral and non-polar, at codon 95 of the ANO5 protein (p.Glu95Val). This variant is present in population databases (rs754459197, gnomAD 0.01%). This variant has not been reported in the literature in individuals affected with ANO5-related conditions. Invitae Evidence Modeling of protein sequence and biophysical properties (such as structural, functional, and spatial information, amino acid conservation, physicochemical variation, residue mobility, and thermodynamic stability) has been performed for this missense variant. However, the output from this modeling did not meet the statistical confidence thresholds required to predict the impact of this variant on ANO5 protein function. In summary, the available evidence is currently insufficient to determine the role of this variant in disease. Therefore, it has been classified as a Variant of Uncertain Significance.

NM_213599.3(ANO5):c.284A>T (p.Glu95Val)

Gene: ANO5 (anoctamin 5; plus strand). Cytogenetic location: 11p14.3.
Variant type: single nucleotide variant.
Coding change: c.284A>T on transcript NM_213599.3 (MANE Select); coding-DNA position 284, A replaced by T.
Protein change: p.Glu95Val; replaces glutamic acid 95 with valine.
Molecular consequence: missense variant.
Genome position (GRCh38, 1-based): chr11:22,221,200, A>T. VCF-style: chr11-22221200-A-T. GRCh37 (hg19) VCF-style: chr11-22242746-A-T.
Other names: c.281A>T, p.Glu94Val (NM_001142649.2); c.242A>T, p.Glu81Val (NM_001410963.1, NM_001441298.1, NM_001441300.1); c.239A>T, p.Glu80Val (NM_001410964.1, NM_001441299.1, NM_001441301.1); c.206A>T, p.Glu69Val (NM_001441294.1); c.203A>T, p.Glu68Val (NM_001441295.1); c.191A>T, p.Glu64Val (NM_001441296.1, NM_001441302.1); c.164A>T, p.Glu55Val (NM_001441297.1); short protein forms E68V, E81V, E94V, E95V, E55V, E69V, E64V, E80V.
Identifiers: ClinVar variation 4789391 (VCV004789391.1).
Genomic context (GRCh38, chr11:22,221,200, plus strand): 5'-ATGGGATTAGGCAAATTGATTTTGTGCTTTCCTACGTTGATGATGTAAAGAAAGACGCAG[A>T]GTTAAAGGCGGTAAGTGCATTATAACAGAAGTGGGAATAATAAAAAGAAGCACATTTTAT-3'
Protein context (NP_998764.1, residues 85-105): SYVDDVKKDA[Glu95Val]LKAERRKEFE